The following is an entry in ClinVar:

ClinVar aggregate classification (germline): Uncertain significance (1 of 4 stars; one submission).

Conditions:
Dyskeratosis congenita. Identifiers: Orphanet 1775, MedGen C0265965, MONDO:0015780.

Allele frequency attached by ClinVar (database versions not stated): gnomAD exomes below 0.00001; TOPMed below 0.00001; gnomAD 0.00001.
gnomAD v4.1: 3 of 1,614,048 alleles (0.00019%); highest among the groups gnomAD compares: Non-Finnish European, 0.00025%; no homozygotes.

Submission:

Labcorp Genetics (formerly Invitae), Labcorp
Classification: Uncertain significance for Dyskeratosis congenita. Last evaluated: 2019-05-14. Review status: criteria provided, single submitter. Criteria: Invitae Variant Classification Sherloc (09022015). Collection method: clinical testing. Allele origin: germline.
Comment: Algorithms developed to predict the effect of missense changes on protein structure and function are either unavailable or do not agree on the potential impact of this missense change (SIFT: "Tolerated"; PolyPhen-2: "Possibly Damaging"; Align-GVGD: "Class C0"). In summary, the available evidence is currently insufficient to determine the role of this variant in disease. Therefore, it has been classified as a Variant of Uncertain Significance. This variant has not been reported in the literature in individuals with NHP2-related conditions. This variant is not present in population databases (ExAC no frequency). This sequence change replaces asparagine with serine at codon 72 of the NHP2 protein (p.Asn72Ser). The asparagine residue is moderately conserved and there is a small physicochemical difference between asparagine and serine.

NM_017838.4(NHP2):c.215A>G (p.Asn72Ser)

Gene: NHP2 (NHP2 ribonucleoprotein; minus strand). Cytogenetic location: 5q35.3.
Variant type: single nucleotide variant.
Coding change: c.215A>G on transcript NM_017838.4 (MANE Select); coding-DNA position 215, A replaced by G.
Protein change: p.Asn72Ser; replaces asparagine 72 with serine.
Molecular consequence: missense variant.
Genome position (GRCh38, 1-based): chr5:178,153,506, T>C on the plus strand (A>G on the coding strand, the complement: NHP2 is on the minus strand). VCF-style: chr5-178153506-T-C. GRCh37 (hg19) VCF-style: chr5-177580507-T-C.
Other names: c.215A>G, p.Asn72Ser (NM_001034833.2); short protein forms N72S.
Identifiers: ClinVar variation 942071 (VCV000942071.9), dbSNP rs1756325870, ClinGen allele CA362392356.
Genomic context (GRCh38, chr5:178,153,506, plus strand): 5'-GTTAACGTTTAGAAATGCAAAATCCAGAGGAAGGAAGGTTCTTACCCTTTTTCTCCTTTG[T>C]TGACAAATTTCTGAACCTCTTTCACCCCGCGCCGAATCTGCTTCTGCTTCACCGCTGCAA-3'
Protein context (NP_060308.1, residues 62-82): RGVKEVQKFV[Asn72Ser]KGEKGIMVLA